The following is an entry in ClinVar:

NM_001267550.2(TTN):c.107726A>G (p.Asp35909Gly)

Genes: TTN-AS1 (TTN antisense RNA 1; plus strand), TTN (titin; minus strand). Cytogenetic location: 2q31.2.
Variant type: single nucleotide variant.
Coding change: c.107726A>G on transcript NM_001267550.2 (MANE Select); coding-DNA position 107726, A replaced by G.
Protein change: p.Asp35909Gly; replaces aspartic acid 35909 with glycine.
Molecular consequence: missense variant.
Genome position (GRCh38, 1-based): chr2:178,527,262, T>C on the plus strand (A>G on the coding strand, the complement: TTN is on the minus strand). VCF-style: chr2-178527262-T-C. GRCh37 (hg19) VCF-style: chr2-179391989-T-C.
Other names: c.102803A>G, p.Asp34268Gly (NM_001256850.1); c.80531A>G, p.Asp26844Gly (NM_003319.4); c.100022A>G, p.Asp33341Gly (NM_133378.4); c.80906A>G, p.Asp26969Gly (NM_133432.3); c.81107A>G, p.Asp27036Gly (NM_133437.4); short protein forms D27036G, D26844G, D26969G, D33341G, D35909G, D34268G.
Identifiers: ClinVar variation 950914 (VCV000950914.8), dbSNP rs1686804657, ClinGen allele CA349399477.
Genomic context (GRCh38, chr2:178,527,262, plus strand): 5'-GTTACTTCTGGGGTAGGCTCACCCGTGAAAGCACAGGCTACTGTTAGAACTTTGCCTTCA[T>C]CAATGCTGATATCAGATGGAAGAGCTTCAATTTTAGGCGGAATTCCTTTATGGAACAATG-3'
Protein context (NP_001254479.2, residues 35899-35919): IEALPSDISI[Asp35909Gly]EGKVLTVACA

ClinVar aggregate classification (germline): Uncertain significance (1 of 4 stars; one submission).

Conditions:
Dilated cardiomyopathy 1G (CMD1G). Identifiers: Orphanet 154, MedGen C1858763, MONDO:0011400, OMIM 604145.
Autosomal recessive limb-girdle muscular dystrophy type 2J (LGMDR10). Also called: Limb-girdle muscular dystrophy, type 2J; MUSCULAR DYSTROPHY, LIMB-GIRDLE, AUTOSOMAL RECESSIVE 10. Identifiers: Orphanet 140922, MedGen C1837342, MONDO:0012127, OMIM 608807.

Submission:

Labcorp Genetics (formerly Invitae), Labcorp
Classification: Uncertain significance for Dilated cardiomyopathy 1G; Autosomal recessive limb-girdle muscular dystrophy type 2J. Last evaluated: 2021-04-13. Review status: criteria provided, single submitter. Criteria: Invitae Variant Classification Sherloc (09022015). Collection method: clinical testing. Allele origin: germline.
Comment: In summary, the available evidence is currently insufficient to determine the role of this variant in disease. Therefore, it has been classified as a Variant of Uncertain Significance. Algorithms developed to predict the effect of missense changes on protein structure and function are unavailable for the TTN gene. Algorithms developed to predict the effect of sequence changes on RNA splicing suggest that this variant may create or strengthen a splice site, but this prediction has not been confirmed by published transcriptional studies. This variant is located in the M band of TTN (PMID: 25589632). Variants in this region may be relevant for neuromuscular disorders, but have not been definitively shown to cause cardiomyopathy (PMID: 23975875). This variant has not been reported in the literature in individuals with TTN-related conditions. This variant is not present in population databases (ExAC no frequency). This sequence change replaces aspartic acid with glycine at codon 35909 of the TTN protein (p.Asp35909Gly). There is a moderate physicochemical difference between aspartic acid and glycine.

Literature cited by the submitters: PubMed 25589632; PubMed 23975875.